The following is an entry in ClinVar:

NM_006379.5(SEMA3C):c.2070G>A (p.Pro690=)

Gene: SEMA3C (semaphorin 3C; minus strand). Cytogenetic location: 7q21.11.
Variant type: single nucleotide variant.
Coding change: c.2070G>A on transcript NM_006379.5 (MANE Select); coding-DNA position 2070, G replaced by A.
Protein change: p.Pro690=; no amino-acid change (proline 690 retained).
Molecular consequence: synonymous variant.
Genome position (GRCh38, 1-based): chr7:80,745,080, C>T on the plus strand (G>A on the coding strand, the complement: SEMA3C is on the minus strand). VCF-style: chr7-80745080-C-T. GRCh37 (hg19) VCF-style: chr7-80374396-C-T.
Other names: c.2124G>A, p.Pro708= (NM_001350120.2); c.1896G>A, p.Pro632= (NM_001350121.2).
Identifiers: ClinVar variation 3355376 (VCV003355376.1).
Genomic context (GRCh38, chr7:80,745,080, plus strand): 5'-TTTGCAATATTGGTTAATCATCTGCATTTCTGAGTGGCTGAATGCCCCCATGATGTCCTT[C>T]GGGTGGAAGGGTAAAGCCCTCACAGAGCTGGCCCAGGTCCATGGGGACCATTTGTCCGTC-3'
Protein context (NP_006370.1, residues 680-700): ASSVRALPFH[Pro690=]KDIMGAFSHS

ClinVar aggregate classification (germline): Likely benign (0 of 4 stars; one submission).

Conditions:
SEMA3C-related disorder. Also called: SEMA3C-related condition.

gnomAD v4.1: 29 of 1,613,940 alleles (0.0018%); highest among the groups gnomAD compares: African/African-American, 0.004%; no homozygotes.

Submission:

PreventionGenetics, part of Exact Sciences
Classification: Likely benign for SEMA3C-related condition. Last evaluated: 2021-10-28. Review status: no assertion criteria provided. Collection method: clinical testing. Allele origin: germline.
Comment: This variant is classified as likely benign based on ACMG/AMP sequence variant interpretation guidelines (Richards et al. 2015 PMID: 25741868, with internal and published modifications).